The following is an entry in ClinVar:

ClinVar aggregate classification (germline): Uncertain significance (1 of 4 stars; one submission).

Conditions:
Hereditary cancer-predisposing syndrome. Also called: Hereditary neoplastic syndrome; Tumor predisposition; Hereditary Cancer Syndrome; Neoplastic Syndromes, Hereditary. Identifiers: Orphanet 140162, MedGen C0027672, MeSH D009386, MONDO:0015356.

Submission:

Ambry Genetics
Classification: Uncertain significance for Hereditary cancer-predisposing syndrome. Last evaluated: 2023-09-10. Review status: criteria provided, single submitter. Criteria: Ambry Variant Classification Scheme 2023. Collection method: clinical testing. Allele origin: germline.
Comment: The p.P714L variant (also known as c.2141C>T), located in coding exon 13 of the DICER1 gene, results from a C to T substitution at nucleotide position 2141. The proline at codon 714 is replaced by leucine, an amino acid with similar properties. This amino acid position is conserved. In addition, this alteration is predicted to be deleterious by in silico analysis. Since supporting evidence is limited at this time, the clinical significance of this alteration remains unclear.

NM_177438.3(DICER1):c.2141C>T (p.Pro714Leu)

Gene: DICER1 (dicer 1, ribonuclease III; minus strand). Cytogenetic location: 14q32.13.
Variant type: single nucleotide variant.
Coding change: c.2141C>T on transcript NM_177438.3 (MANE Select); coding-DNA position 2141, C replaced by T.
Protein change: p.Pro714Leu; replaces proline 714 with leucine.
Molecular consequence: missense variant. On other transcripts: non-coding transcript variant (6).
Genome position (GRCh38, 1-based): chr14:95,111,432, G>A on the plus strand (C>T on the coding strand, the complement: DICER1 is on the minus strand). VCF-style: chr14-95111432-G-A. GRCh37 (hg19) VCF-style: chr14-95577769-G-A.
Other names: c.2141C>T, p.Pro714Leu (NM_001195573.1, NM_001271282.3, NM_001291628.2 and 13 more transcripts); c.1859C>T, p.Pro620Leu (NM_001395686.1); c.1736C>T, p.Pro579Leu (NM_001395687.1, NM_001395688.1, NM_001395689.1 and 3 more transcripts); c.1574C>T, p.Pro525Leu (NM_001395691.1); c.458C>T, p.Pro153Leu (NM_001395697.1); short protein forms P153L, P525L, P579L, P620L, P714L.
Identifiers: ClinVar variation 2586437 (VCV002586437.2), dbSNP rs2542913908, ClinGen allele CA390882846.
Genomic context (GRCh38, chr14:95,111,432, plus strand): 5'-GTCTCTTCTTCATCATGCAAATCAAGCTCCTCTTCATATTTAACAGTCTCTTTCCCAACT[G>A]GCATCAAATGGTCATCCAGTTCGCCTAACAAATTTAAAGAGAGAATTAACACAATCCAGA-3'
Protein context (NP_803187.1, residues 704-724): KIGELDDHLM[Pro714Leu]VGKETVKYEE